The following is an entry in ClinVar:

ClinVar aggregate classification (germline): Likely pathogenic (1 of 4 stars; one submission).

Conditions:
Progressive myoclonic epilepsy type 7. Identifiers: Orphanet 435438, MedGen C4015420, MONDO:0014521, OMIM 616187.

Submission:

Rady Children's Institute for Genomic Medicine, Rady Children's Hospital San Diego
Classification: Likely pathogenic for EPILEPSY, PROGRESSIVE MYOCLONIC 7. Last evaluated: 2019-03-29. Review status: criteria provided, single submitter. Criteria: ACMG Guidelines, 2015. Collection method: clinical testing. Allele origin: germline. Affected: yes. Observed: 1 variant allele.
Comment: This frameshifting variant occurs in exon 2 of 4 in the ENST00000265969 transcript (known as Kv3.1B in the literature), and exon 2 of 2 in the ENST00000379472 transcript (known as Kv3.1A in the literature). The variant introduces a premature stop codon and is therefore predicted to result in loss of normal protein function. This variant has not been previously reported or functionally characterized in the literature to our knowledge. It is absent from the ExAC and gnomAD population databases and thus is presumed to be rare. Based on the available evidence, the c.1370del, p.Lys457ArgfsTer20 variant is classified as Likely Pathogenic.

NM_001112741.2(KCNC1):c.1370del (p.Lys457fs)

Gene: KCNC1 (potassium voltage-gated channel subfamily C member 1; plus strand). Cytogenetic location: 11p15.1.
Variant type: Deletion.
Coding change: c.1370del on transcript NM_001112741.2 (MANE Select); coding-DNA position 1370, one base deleted (A; older notation c.1370delA).
Protein change: p.Lys457fs; shifts the reading frame from lysine 457.
Molecular consequence: frameshift variant.
Genome position (GRCh38, 1-based): chr11:17,772,464, A deleted; the last of 8 consecutive A bases (chr11:17,772,457-17,772,464); deleting any one gives the same sequence. VCF-style (leftmost placement, unchanged base first): chr11-17772456-GA-G. GRCh37 (hg19) VCF-style: chr11-17794003-GA-G.
Other names: c.1370del, p.Lys457fs (NM_004976.4); short protein forms K457fs.
Identifiers: ClinVar variation 692088 (VCV000692088.1), dbSNP rs1590106815, ClinGen allele CA473520034.